The following is an entry in ClinVar:

ClinVar aggregate classification (germline): Uncertain significance. Review status: criteria provided, multiple submitters, no conflicts (2 of 4 stars). 2 submissions from 2 submitters: Uncertain significance (2). Last evaluated 2025-11-06.

Conditions:
Cardiovascular phenotype. Identifiers: MedGen CN230736.
Dilated cardiomyopathy 1W (CMD1W). Identifiers: Orphanet 154, MedGen C1969639, MONDO:0012667, OMIM 611407.

Allele frequency attached by ClinVar (database versions not stated): TOPMed 0.00001.
gnomAD v4.1: 4 of 1,613,314 alleles (0.00025%); highest among the groups gnomAD compares: African/African-American, 0.0053%; no homozygotes.

Submissions (2):

Ambry Genetics
Classification: Uncertain significance for Cardiovascular phenotype. Last evaluated: 2025-11-06. Review status: criteria provided, single submitter. Criteria: Ambry Variant Classification Scheme 2023. Collection method: clinical testing. Allele origin: germline.
Comment: The p.A619E variant (also known as c.1856C>A), located in coding exon 13 of the VCL gene, results from a C to A substitution at nucleotide position 1856. The alanine at codon 619 is replaced by glutamic acid, an amino acid with dissimilar properties. This variant was reported in individual(s) with features consistent with dilated cardiomyopathy (Ambry internal data). This amino acid position is well conserved in available vertebrate species. In addition, the in silico prediction for this alteration is inconclusive. Based on the available evidence, the clinical significance of this variant remains unclear.

Labcorp Genetics (formerly Invitae), Labcorp
Classification: Uncertain significance for Dilated cardiomyopathy 1W. Last evaluated: 2025-10-22. Review status: criteria provided, single submitter. Criteria: Invitae Variant Classification Sherloc (09022015). Collection method: clinical testing. Allele origin: germline.
Comment: This sequence change replaces alanine, which is neutral and non-polar, with glutamic acid, which is acidic and polar, at codon 619 of the VCL protein (p.Ala619Glu). This variant is present in population databases (no rsID available, gnomAD 0.01%). This variant has not been reported in the literature in individuals affected with VCL-related conditions. ClinVar contains an entry for this variant (Variation ID: 264420). An algorithm developed to predict the effect of missense changes on protein structure and function (PolyPhen-2) suggests that this variant is likely to be disruptive. In summary, the available evidence is currently insufficient to determine the role of this variant in disease. Therefore, it has been classified as a Variant of Uncertain Significance.

NM_014000.3(VCL):c.1856C>A (p.Ala619Glu)

Gene: VCL (vinculin; plus strand). Cytogenetic location: 10q22.2.
Variant type: single nucleotide variant.
Coding change: c.1856C>A on transcript NM_014000.3 (MANE Select); coding-DNA position 1856, C replaced by A.
Protein change: p.Ala619Glu; replaces alanine 619 with glutamic acid.
Molecular consequence: missense variant.
Genome position (GRCh38, 1-based): chr10:74,097,316, C>A. VCF-style: chr10-74097316-C-A. GRCh37 (hg19) VCF-style: chr10-75857074-C-A.
Other names: c.1856C>A, p.Ala619Glu (NM_003373.4); short protein forms A619E.
Identifiers: ClinVar variation 264420 (VCV000264420.11), dbSNP rs771628544, ClinGen allele CA10587704.